The following is an entry in ClinVar:

NM_003924.4(PHOX2B):c.738_776del (p.Ala248_Ala260del)

Genes: PHOX2B (paired like homeobox 2B; minus strand), LOC110011216 (paired like homeobox 2b polyalanine repeat instability region; plus strand). Cytogenetic location: 4p13.
Variant type: Deletion.
Coding change: c.738_776del on transcript NM_003924.4 (MANE Select); coding-DNA positions 738 to 776, 39 bases deleted.
Protein change: p.Ala248_Ala260del.
Molecular consequence: inframe deletion.
Genome position (GRCh38, 1-based): chr4:41,745,976-41,746,014, 39 bases deleted; deleting any 39 consecutive bases within chr4:41,745,976-41,746,025 gives the same sequence; the c. name uses the placement nearest the transcript's 3' end. GRCh37 (hg19): chr4:41,748,004-41,748,042.
Other names: c.738_776delGGCCGCGGCAGCGGCGGCGGCGGCAGCGGCAGCGGCGGC (NM_003924.3); c.738_776del39 (NM_003924.3).
Identifiers: ClinVar variation 239590 (VCV000239590.43), dbSNP rs757020181, ClinGen allele CA2901425.
Genomic context (GRCh38, chr4:41,745,975, plus strand): 5'-GGGGCCGGGGCCGGGAGCCCAGCCTTGTCCAGGGCCCCCAGCCGCAGCCAGGCCTCCAGC[TGCCGCCGCTGCCGCTGCCGCCGCCGCCGCTGCCGCGGCC>T]GCCGCCGCTGCTGCTGCGCCGCCCTTGCCGGGTTCGCCTCCCGGGCCCCCGGGCCCCGCC-3'

ClinVar aggregate classification (germline): Benign/Likely benign. Review status: criteria provided, multiple submitters, no conflicts (2 of 4 stars). 6 submissions from 6 submitters: Benign (3); Likely benign (3). Last evaluated 2026-09-01.

Conditions:
Hereditary cancer-predisposing syndrome. Also called: Hereditary neoplastic syndrome; Hereditary Cancer Syndrome; Neoplastic Syndromes, Hereditary; Tumor predisposition. Identifiers: Orphanet 140162, MedGen C0027672, MeSH D009386, MONDO:0015356.
Haddad syndrome (OHD). Also called: Ondine-Hirschsprung disease. Identifiers: Orphanet 99803, MedGen C1859049, MONDO:0020493.

Submissions (6):

CeGaT Center for Human Genetics Tuebingen
Classification: Likely benign. Last evaluated: 2026-09-01. Review status: criteria provided, single submitter. Criteria: CeGaT Center For Human Genetics Tuebingen Variant Classification Criteria Version 2. Collection method: clinical testing. Allele origin: germline. Affected: yes. Observed: 6 variant alleles.
Comment: PHOX2B: BS2

Dasa
Classification: Likely benign. Last evaluated: 2026-03-03. Review status: criteria provided, single submitter. Criteria: DASA Assertion Criteria. Collection method: clinical testing. Allele origin: germline.
Comment: NM_003924.4(PHOX2B):c.738_776del (p.Ala248_Ala260del) is an in-frame deletion predicted to remove amino acids from alanine at protein position 248 through alanine at protein position 260 without shifting the reading frame. Population frequency is inconsistent with a disease-causing role for this variant, observations in unaffected individuals support a benign interpretation, and the variant context is inconsistent with a known disease-causing mechanism. Therefore, based on the currently available evidence, this variant is classified as likely benign.

Labcorp Genetics (formerly Invitae), Labcorp
Classification: Benign for Haddad syndrome. Last evaluated: 2025-12-08. Review status: criteria provided, single submitter. Criteria: Invitae Variant Classification Sherloc (09022015). Collection method: clinical testing. Allele origin: germline.

Sema4
Classification: Benign for Hereditary cancer-predisposing syndrome. Last evaluated: 2020-10-26. Review status: criteria provided, single submitter. Criteria: Sema4 Curation Guidelines. Collection method: curation. Allele origin: germline.

GeneDx
Classification: Benign. Last evaluated: 2019-02-14. Review status: criteria provided, single submitter. Criteria: GeneDx Variant Classification Process June 2021. Collection method: clinical testing. Allele origin: germline. Affected: yes.
Comment: This variant is associated with the following publications: (PMID: 26375764)

Ambry Genetics
Classification: Likely benign for Hereditary cancer-predisposing syndrome. Last evaluated: 2017-09-08. Review status: criteria provided, single submitter. Criteria: Ambry Autosomal Dominant and X-Linked criteria (3/2017). Collection method: clinical testing. Allele origin: germline. Observed: 1 variant allele.
Comment: Other strong data supporting benign classification

Literature cited by the submitters: PubMed 20208042 (cited by Ambry Genetics).